The following is an entry in ClinVar:

NM_004385.5(VCAN):c.6182T>C (p.Leu2061Ser)

Genes: VCAN (versican; plus strand), VCAN-AS1 (VCAN antisense RNA 1; minus strand). Cytogenetic location: 5q14.3.
Variant type: single nucleotide variant.
Coding change: c.6182T>C on transcript NM_004385.5 (MANE Select); coding-DNA position 6182, T replaced by C.
Protein change: p.Leu2061Ser; replaces leucine 2061 with serine.
Molecular consequence: missense variant. On other transcripts: intron variant (2).
Genome position (GRCh38, 1-based): chr5:83,539,185, T>C. VCF-style: chr5-83539185-T-C. GRCh37 (hg19) VCF-style: chr5-82835004-T-C.
Other names: c.3221T>C, p.Leu1074Ser (NM_001164097.2); c.4004-6352T>C (NM_001164098.2); c.1043-6352T>C (NM_001126336.3); short protein forms L2061S, L1074S.
Identifiers: ClinVar variation 1391403 (VCV001391403.8), dbSNP rs992071102, ClinGen allele CA121810122.
Genomic context (GRCh38, chr5:83,539,185, plus strand): 5'-TCGACGAAGGATTGGGAGAAGTGGGTACTGTCAATGAAATTGATAGAAGATCCACCATTT[T>C]ACCAACAGCAGAAGTGGAAGGTACGAAAGCTCCAGTAGAGAAGGAGGAAGTAAAGGTCAG-3'
Protein context (NP_004376.2, residues 2051-2071): VNEIDRRSTI[Leu2061Ser]PTAEVEGTKA

ClinVar aggregate classification (germline): Uncertain significance (1 of 4 stars; one submission).

Allele frequency attached by ClinVar (database versions not stated): gnomAD exomes below 0.00001; gnomAD 0.00001.
gnomAD v4.1: 4 of 1,613,844 alleles (0.00025%); highest among the groups gnomAD compares: Admixed American, 0.0017%; no homozygotes.

Submission:

Labcorp Genetics (formerly Invitae), Labcorp
Classification: Uncertain significance. Last evaluated: 2022-06-21. Review status: criteria provided, single submitter. Criteria: Invitae Variant Classification Sherloc (09022015). Collection method: clinical testing. Allele origin: germline.
Comment: This sequence change replaces leucine, which is neutral and non-polar, with serine, which is neutral and polar, at codon 2061 of the VCAN protein (p.Leu2061Ser). The frequency data for this variant in the population databases is considered unreliable, as metrics indicate poor data quality at this position in the gnomAD database. This variant has not been reported in the literature in individuals affected with VCAN-related conditions. Algorithms developed to predict the effect of missense changes on protein structure and function output the following: SIFT: "Deleterious"; PolyPhen-2: "Benign"; Align-GVGD: "Class C65". The serine amino acid residue is found in multiple mammalian species, which suggests that this missense change does not adversely affect protein function. In summary, the available evidence is currently insufficient to determine the role of this variant in disease. Therefore, it has been classified as a Variant of Uncertain Significance.